The following is an entry in ClinVar:

ClinVar aggregate classification (germline): Likely benign (0 of 4 stars; one submission).

Conditions:
ASH1L-related disorder. Also called: ASH1L-related condition.

Submission:

PreventionGenetics, part of Exact Sciences
Classification: Likely benign for ASH1L-related condition. Last evaluated: 2019-09-05. Review status: no assertion criteria provided. Collection method: clinical testing. Allele origin: germline.
Comment: This variant is classified as likely benign based on ACMG/AMP sequence variant interpretation guidelines (Richards et al. 2015 PMID: 25741868, with internal and published modifications).

NM_018489.3(ASH1L):c.4440G>A (p.Glu1480=)

Gene: ASH1L (ASH1 like histone lysine methyltransferase; minus strand). Cytogenetic location: 1q22.
Variant type: single nucleotide variant.
Coding change: c.4440G>A on transcript NM_018489.3 (MANE Select); coding-DNA position 4440, G replaced by A.
Protein change: p.Glu1480=; no amino-acid change (glutamic acid 1480 retained).
Molecular consequence: synonymous variant.
Genome position (GRCh38, 1-based): chr1:155,478,430, C>T on the plus strand (G>A on the coding strand, the complement: ASH1L is on the minus strand). VCF-style: chr1-155478430-C-T. GRCh37 (hg19) VCF-style: chr1-155448221-C-T.
Other names: c.4440G>A, p.Glu1480= (NM_001366177.2).
Identifiers: ClinVar variation 3053398 (VCV003053398.2), dbSNP rs1665725674, ClinGen allele CA421248346.